The following is an entry in ClinVar:

ClinVar aggregate classification (germline): Uncertain significance (1 of 4 stars; one submission).

Submission:

GeneDx
Classification: Uncertain significance. Last evaluated: 2024-01-17. Review status: criteria provided, single submitter. Criteria: GeneDx Variant Classification Process June 2021. Collection method: clinical testing. Allele origin: germline. Affected: yes.
Comment: Not observed at significant frequency in large population cohorts (gnomAD); In silico analysis supports that this missense variant does not alter protein structure/function; Has not been previously published as pathogenic or benign to our knowledge

NM_001081.4(CUBN):c.9685A>T (p.Asn3229Tyr)

Gene: CUBN (cubilin; minus strand). Cytogenetic location: 10p13.
Variant type: single nucleotide variant.
Coding change: c.9685A>T on transcript NM_001081.4 (MANE Select); coding-DNA position 9685, A replaced by T.
Protein change: p.Asn3229Tyr; replaces asparagine 3229 with tyrosine.
Molecular consequence: missense variant.
Genome position (GRCh38, 1-based): chr10:16,841,026, T>A on the plus strand (A>T on the coding strand, the complement: CUBN is on the minus strand). VCF-style: chr10-16841026-T-A. GRCh37 (hg19) VCF-style: chr10-16883025-T-A.
Other names: short protein forms N3229Y.
Identifiers: ClinVar variation 3367828 (VCV003367828.1).